The following is an entry in ClinVar:

NM_000533.5(PLP1):c.254T>G (p.Leu85Arg)

Genes: PLP1 (proteolipid protein 1; plus strand), RAB9B (RAB9B, member RAS oncogene family; minus strand). Cytogenetic location: Xq22.2.
Variant type: single nucleotide variant.
Coding change: c.254T>G on transcript NM_000533.5 (MANE Select); coding-DNA position 254, T replaced by G.
Protein change: p.Leu85Arg; replaces leucine 85 with arginine.
Molecular consequence: missense variant.
Genome position (GRCh38, 1-based): chrX:103,786,527, T>G. VCF-style: chrX-103786527-T-G. GRCh37 (hg19) VCF-style: chrX-103041456-T-G.
Other names: c.254T>G, p.Leu85Arg (NM_001128834.3, NM_199478.3); c.89T>G, p.Leu30Arg (NM_001305004.1); c.254T>G (NM_000533.3); short protein forms L30R, L85R.
Identifiers: ClinVar variation 3255416 (VCV003255416.3), dbSNP rs2074498206.

ClinVar aggregate classification (germline): Likely pathogenic. Review status: criteria provided, multiple submitters, no conflicts (2 of 4 stars). 2 submissions from 2 submitters: Likely pathogenic (2). Last evaluated 2024-10-09.

Conditions:
Pelizaeus-Merzbacher disease. Also called: LEUKODYSTROPHY, HYPOMYELINATING, 1; Sudanophilic leukodystrophy; Pelizaeus-Merzbacher spectrum disorder; Pelizaeus-Merzbacher Disease (PMD); Pelizeaus-Merzbacher spectrum disorder. Identifiers: Orphanet 702, MedGen C0205711, MONDO:0010714, OMIM 312080, HP:0003269.

Submissions (2):

GeneDx
Classification: Likely pathogenic. Last evaluated: 2024-10-09. Review status: criteria provided, single submitter. Criteria: GeneDx Variant Classification Process June 2021. Collection method: clinical testing. Allele origin: germline. Affected: yes.
Comment: Published functional studies suggest a damaging effect and show that this variant causes perinuclear retention of misfolded PLP1 protein and cell death (PMID: 28366443); In silico analysis supports that this missense variant has a deleterious effect on protein structure/function; Not observed at significant frequency in large population cohorts (gnomAD); Missense variants in this gene are a common cause of disease and they are underrepresented in the general population; This variant is associated with the following publications: (PMID: 29486744, 25156430, 30146490, 28366443, 30046099, 33651139, 24139698)

Molecular Diagnostics Lab, Nemours Children's Health, Delaware
Classification: Likely pathogenic for Pelizaeus-Merzbacher disease. Last evaluated: 2021-03-26. Review status: criteria provided, single submitter. Criteria: ACMG Guidelines, 2015. Collection method: clinical testing. Allele origin: maternal, unknown. Inheritance: X-linked inheritance. Affected: yes and no. Observed: 1 heterozygote, 1 hemizygote.
Comment: This missense variant (c.254T>G, p.Leu85Arg) has not been observed in population databases (gnomAD). It has been described in the literature (PMID 24139698). Variant prediction programs suggest a deleterious effect on the PLP1 protein, but no functional studies have been published.

Literature cited by the submitters: PubMed 24139698 (cited by Molecular Diagnostics Lab, Nemours Children's Health, Delaware).